The following is an entry in ClinVar:

NM_014874.4(MFN2):c.1189C>T (p.Arg397Trp)

Gene: MFN2 (mitofusin 2; plus strand). Cytogenetic location: 1p36.22.
Variant type: single nucleotide variant.
Coding change: c.1189C>T on transcript NM_014874.4 (MANE Select); coding-DNA position 1189, C replaced by T.
Protein change: p.Arg397Trp; replaces arginine 397 with tryptophan.
Molecular consequence: missense variant.
Genome position (GRCh38, 1-based): chr1:12,004,020, C>T. VCF-style: chr1-12004020-C-T. GRCh37 (hg19) VCF-style: chr1-12064077-C-T.
Other names: c.1189C>T, p.Arg397Trp (NM_001127660.2); short protein forms R397W.
Identifiers: ClinVar variation 570426 (VCV000570426.10), dbSNP rs758948968, ClinGen allele CA599045.

ClinVar aggregate classification (germline): Uncertain significance. Review status: criteria provided, multiple submitters, no conflicts (2 of 4 stars). 3 submissions from 3 submitters: Uncertain significance (3). Last evaluated 2025-11-12.

Conditions:
Charcot-Marie-Tooth disease type 2. Also called: Charcot-Marie-Tooth type 2. Identifiers: Orphanet 64746, MedGen C0270914, MONDO:0018993.
Charcot-Marie-Tooth disease type 2A2. Also called: Charcot-Marie-Tooth Neuropathy Type 2A2; CHARCOT-MARIE-TOOTH DISEASE, AXONAL, AUTOSOMAL DOMINANT, TYPE 2A2A; CHARCOT-MARIE-TOOTH DISEASE, NEURONAL, TYPE 2A2; HEREDITARY MOTOR AND SENSORY NEUROPATHY IIA2; HMSN IIA2; CHARCOT-MARIE-TOOTH DISEASE, AXONAL, TYPE 2A2. Identifiers: Orphanet 99947, MedGen C4721887, MONDO:0012231, OMIM 609260.

Allele frequency attached by ClinVar (database versions not stated): ExAC 0.00001; gnomAD 0.00001; gnomAD exomes 0.00001 and 0.00002; TOPMed 0.00001.
gnomAD v4.1: 8 of 1,614,092 alleles (0.0005%); highest among the groups gnomAD compares: East Asian, 0.0045%; no homozygotes.

Submissions (3):

Labcorp Genetics (formerly Invitae), Labcorp
Classification: Uncertain significance for Charcot-Marie-Tooth disease type 2. Last evaluated: 2025-11-12. Review status: criteria provided, single submitter. Criteria: Invitae Variant Classification Sherloc (09022015). Collection method: clinical testing. Allele origin: germline.
Comment: This sequence change replaces arginine, which is basic and polar, with tryptophan, which is neutral and slightly polar, at codon 397 of the MFN2 protein (p.Arg397Trp). This variant is present in population databases (rs758948968, gnomAD 0.007%). This variant has not been reported in the literature in individuals affected with MFN2-related conditions. ClinVar contains an entry for this variant (Variation ID: 570426). Invitae Evidence Modeling of protein sequence and biophysical properties (such as structural, functional, and spatial information, amino acid conservation, physicochemical variation, residue mobility, and thermodynamic stability) has been performed for this missense variant. However, the output from this modeling did not meet the statistical confidence thresholds required to predict the impact of this variant on MFN2 protein function. This variant disrupts the p.Arg397 amino acid residue in MFN2. Other variant(s) that disrupt this residue have been determined to be pathogenic (PMID: 30210586). This suggests that this residue is clinically significant, and that variants that disrupt this residue are likely to be disease-causing. In summary, the available evidence is currently insufficient to determine the role of this variant in disease. Therefore, it has been classified as a Variant of Uncertain Significance.

Blueprint Genetics
Classification: Uncertain significance. Last evaluated: 2024-09-18. Review status: criteria provided, single submitter. Criteria: ACMG Guidelines, 2015. Collection method: clinical testing. Allele origin: germline.

Neuberg Centre For Genomic Medicine, NCGM
Classification: Uncertain significance for Charcot-Marie-Tooth disease type 2A2. Review status: criteria provided, single submitter. Criteria: ACMG Guidelines, 2015. Collection method: clinical testing. Allele origin: germline. Inheritance: Autosomal dominant inheritance. Affected: yes.
Comment: The missense variant c.1189C>T(p.Arg397Trp) in MFN2 gene has not been reported previously as a pathogenic variant nor as a benign variant, to our knowledge. The observed variant has allele frequency of 0.001% in gnomAD exomes database. This variant has been reported to the ClinVar database as Uncertain Significance. The amino acid change p.Arg397Trp in MFN2 is predicted as conserved by GERP++ and PhyloP across 100 vertebrates. Multiple lines of computational evidence (Polyphen- probably damaging, SIFT- tolerated and MutationTaster- disease causing) predicts conflicting evidences on protein structure and function for this variant. The amino acid Arg at position 397 is changed to a Trp changing protein sequence and it might alter its composition and physico-chemical properties. For these reasons, this variant has been classified as Uncertain Significance (VUS).

Literature cited by the submitters: PubMed 30210586 (cited by Labcorp Genetics (formerly Invitae), Labcorp).